The following is an entry in ClinVar:

ClinVar aggregate classification (germline): Uncertain significance. Review status: criteria provided, multiple submitters, no conflicts (2 of 4 stars). 2 submissions from 2 submitters: Uncertain significance (2). Last evaluated 2023-07-31.

Conditions:
Cardiovascular phenotype. Identifiers: MedGen CN230736.

Allele frequency attached by ClinVar (database versions not stated): TOPMed 0.00004; ExAC 0.00005; gnomAD 0.00005; gnomAD exomes 0.00005.
gnomAD v4.1: 77 of 1,613,364 alleles (0.0048%); highest among the groups gnomAD compares: Admixed American, 0.0067%; no homozygotes.

Submissions (2):

Ambry Genetics
Classification: Uncertain significance for Cardiovascular phenotype. Last evaluated: 2023-07-31. Review status: criteria provided, single submitter. Criteria: Ambry Variant Classification Scheme 2023. Collection method: clinical testing. Allele origin: germline.
Comment: The p.T177S variant (also known as c.530C>G), located in coding exon 5 of the PRDM5 gene, results from a C to G substitution at nucleotide position 530. The threonine at codon 177 is replaced by serine, an amino acid with similar properties. This amino acid position is poorly conserved in available vertebrate species. In addition, this alteration is predicted to be tolerated by in silico analysis. Since supporting evidence is limited at this time, the clinical significance of this alteration remains unclear.

Labcorp Genetics (formerly Invitae), Labcorp
Classification: Uncertain significance. Last evaluated: 2022-05-05. Review status: criteria provided, single submitter. Criteria: Invitae Variant Classification Sherloc (09022015). Collection method: clinical testing. Allele origin: germline.
Comment: This sequence change replaces threonine, which is neutral and polar, with serine, which is neutral and polar, at codon 177 of the PRDM5 protein (p.Thr177Ser). This variant is present in population databases (rs767110605, gnomAD 0.009%). This variant has not been reported in the literature in individuals affected with PRDM5-related conditions. Algorithms developed to predict the effect of missense changes on protein structure and function output the following: SIFT: "Tolerated"; PolyPhen-2: "Benign"; Align-GVGD: "Class C0". The serine amino acid residue is found in multiple mammalian species, which suggests that this missense change does not adversely affect protein function. In summary, the available evidence is currently insufficient to determine the role of this variant in disease. Therefore, it has been classified as a Variant of Uncertain Significance.

NM_018699.4(PRDM5):c.530C>G (p.Thr177Ser)

Gene: PRDM5 (PR/SET domain 5; minus strand). Cytogenetic location: 4q27.
Variant type: single nucleotide variant.
Coding change: c.530C>G on transcript NM_018699.4 (MANE Select); coding-DNA position 530, C replaced by G.
Protein change: p.Thr177Ser; replaces threonine 177 with serine.
Molecular consequence: missense variant.
Genome position (GRCh38, 1-based): chr4:120,818,473, G>C on the plus strand (C>G on the coding strand, the complement: PRDM5 is on the minus strand). VCF-style: chr4-120818473-G-C. GRCh37 (hg19) VCF-style: chr4-121739628-G-C.
Other names: c.530C>G, p.Thr177Ser (NM_001300823.2, NM_001300824.2, NM_001379104.1 and 1 more transcripts); short protein forms T177S.
Identifiers: ClinVar variation 1746747 (VCV001746747.5), dbSNP rs767110605, ClinGen allele CA3061364.